The following is an entry in ClinVar:

NM_024652.6(LRRK1):c.439T>C (p.Cys147Arg)

Gene: LRRK1 (leucine rich repeat kinase 1; plus strand). Cytogenetic location: 15q26.3.
Variant type: single nucleotide variant.
Coding change: c.439T>C on transcript NM_024652.6 (MANE Select); coding-DNA position 439, T replaced by C.
Protein change: p.Cys147Arg; replaces cysteine 147 with arginine.
Molecular consequence: missense variant.
Genome position (GRCh38, 1-based): chr15:100,988,639, T>C. VCF-style: chr15-100988639-T-C. GRCh37 (hg19) VCF-style: chr15-101528844-T-C.
Other names: c.439T>C (NM_024652.3); short protein forms C147R.
Identifiers: ClinVar variation 1940185 (VCV001940185.4), dbSNP rs763758358, ClinGen allele CA7760604.

ClinVar aggregate classification (germline): Uncertain significance. Review status: criteria provided, multiple submitters, no conflicts (2 of 4 stars). 2 submissions from 2 submitters: Uncertain significance (2). Last evaluated 2024-02-05.

Conditions:
Inborn genetic diseases. Identifiers: MedGen C0950123, MeSH D030342.

Allele frequency attached by ClinVar (database versions not stated): gnomAD exomes 0.00001; TOPMed 0.00001; gnomAD 0.00002; ExAC 0.00004; 1000 Genomes Project 30x 0.00016.
gnomAD v4.1: 22 of 1,614,116 alleles (0.0014%); highest among the groups gnomAD compares: East Asian, 0.047%; no homozygotes.

Submissions (2):

Ambry Genetics
Classification: Uncertain significance for Inborn genetic diseases. Last evaluated: 2024-02-05. Review status: criteria provided, single submitter. Criteria: Ambry Variant Classification Scheme 2023. Collection method: clinical testing. Allele origin: germline.

Labcorp Genetics (formerly Invitae), Labcorp
Classification: Uncertain significance. Last evaluated: 2022-01-06. Review status: criteria provided, single submitter. Criteria: Invitae Variant Classification Sherloc (09022015). Collection method: clinical testing. Allele origin: germline.
Comment: In summary, the available evidence is currently insufficient to determine the role of this variant in disease. Therefore, it has been classified as a Variant of Uncertain Significance. Algorithms developed to predict the effect of missense changes on protein structure and function (SIFT, PolyPhen-2, Align-GVGD) all suggest that this variant is likely to be tolerated. This variant has not been reported in the literature in individuals affected with LRRK1-related conditions. This variant is present in population databases (rs763758358, gnomAD 0.07%). This sequence change replaces cysteine, which is neutral and slightly polar, with arginine, which is basic and polar, at codon 147 of the LRRK1 protein (p.Cys147Arg).